The following is an entry in ClinVar:

NM_001077350.3(NPRL3):c.1086G>A (p.Pro362=)

Genes: HBA-LCR (alpha-globin locus control region; plus strand), NPRL3 (NPR3 like, GATOR1 complex subunit; minus strand). Cytogenetic location: 16p13.3.
Variant type: single nucleotide variant.
Coding change: c.1086G>A on transcript NM_001077350.3 (MANE Select); coding-DNA position 1086, G replaced by A.
Protein change: p.Pro362=; no amino-acid change (proline 362 retained).
Molecular consequence: synonymous variant.
Genome position (GRCh38, 1-based): chr16:92,671, C>T on the plus strand (G>A on the coding strand, the complement: NPRL3 is on the minus strand). VCF-style: chr16-92671-C-T. GRCh37 (hg19) VCF-style: chr16-142669-C-T.
Other names: c.549G>A, p.Pro183= (NM_001039476.3); c.852G>A, p.Pro284= (NM_001243247.2); c.1011G>A, p.Pro337= (NM_001243248.2, NM_001243249.2).
Identifiers: ClinVar variation 724058 (VCV000724058.13), dbSNP rs762516395, ClinGen allele CA7769455.

ClinVar aggregate classification (germline): Likely benign. Review status: criteria provided, multiple submitters, no conflicts (2 of 4 stars). 3 submissions from 3 submitters: Likely benign (3). Last evaluated 2026-06-01.

Conditions:
Epilepsy, familial focal, with variable foci 3 (FFEVF3). Identifiers: MedGen C4310708, MONDO:0014925, OMIM 617118.

Allele frequency attached by ClinVar (database versions not stated): gnomAD exomes 0.00005 and 0.00006; TOPMed 0.00005; ExAC 0.00006; gnomAD 0.00006.
gnomAD v4.1: 78 of 1,613,712 alleles (0.0048%); highest among the groups gnomAD compares: Admixed American, 0.018%; no homozygotes.

Submissions (3):

CeGaT Center for Human Genetics Tuebingen
Classification: Likely benign. Last evaluated: 2026-06-01. Review status: criteria provided, single submitter. Criteria: CeGaT Center For Human Genetics Tuebingen Variant Classification Criteria Version 2. Collection method: clinical testing. Allele origin: germline. Affected: yes. Observed: 1 variant allele.
Comment: NPRL3: BP4, BP7

Labcorp Genetics (formerly Invitae), Labcorp
Classification: Likely benign for Epilepsy, familial focal, with variable foci 3. Last evaluated: 2025-10-19. Review status: criteria provided, single submitter. Criteria: Invitae Variant Classification Sherloc (09022015). Collection method: clinical testing. Allele origin: germline.

Blueprint Genetics
Classification: Likely benign. Last evaluated: 2024-10-02. Review status: criteria provided, single submitter. Criteria: ACMG Guidelines, 2015. Collection method: clinical testing. Allele origin: germline.